The following is an entry in ClinVar:

NM_000091.5(COL4A3):c.3471A>C (p.Gln1157His)

Genes: COL4A3 (collagen type IV alpha 3 chain; plus strand), MFF-DT (MFF divergent transcript; minus strand). Cytogenetic location: 2q36.3.
Variant type: single nucleotide variant.
Coding change: c.3471A>C on transcript NM_000091.5 (MANE Select); coding-DNA position 3471, A replaced by C.
Protein change: p.Gln1157His; replaces glutamine 1157 with histidine.
Molecular consequence: missense variant.
Genome position (GRCh38, 1-based): chr2:227,295,016, A>C. VCF-style: chr2-227295016-A-C. GRCh37 (hg19) VCF-style: chr2-228159732-A-C.
Other names: short protein forms Q1157H.
Identifiers: ClinVar variation 1695486 (VCV001695486.2), dbSNP rs761971869, ClinGen allele CA2147256.

ClinVar aggregate classification (germline): Uncertain significance (1 of 4 stars; one submission).

Allele frequency attached by ClinVar (database versions not stated): gnomAD exomes below 0.00001; ExAC 0.00001.
gnomAD v4.1: 2 of 1,613,582 alleles (0.00012%); highest among the groups gnomAD compares: South Asian, 0.0022%; no homozygotes.

Submission:

GeneDx
Classification: Uncertain significance. Last evaluated: 2022-01-10. Review status: criteria provided, single submitter. Criteria: GeneDx Variant Classification Process June 2021. Collection method: clinical testing. Allele origin: germline. Affected: yes.
Comment: Not observed at significant frequency in large population cohorts (gnomAD); In silico analysis supports that this missense variant does not alter protein structure/function; Occurs in the triple helical domain at the Y position in the canonical Gly-X-Y repeat; although this variant may have an effect on normal protein folding and function, missense substitution at the Y position is not a common mechanism of disease; Has not been previously published as pathogenic or benign to our knowledge